The following is an entry in ClinVar:

ClinVar aggregate classification (germline): Uncertain significance (1 of 4 stars; one submission).

Conditions:
Hereditary cancer-predisposing syndrome. Also called: Neoplastic Syndromes, Hereditary; Tumor predisposition; Hereditary Cancer Syndrome; Hereditary neoplastic syndrome. Identifiers: Orphanet 140162, MedGen C0027672, MeSH D009386, MONDO:0015356.

Submission:

Ambry Genetics
Classification: Uncertain significance for Hereditary cancer-predisposing syndrome. Last evaluated: 2026-03-17. Review status: criteria provided, single submitter. Criteria: Ambry Variant Classification Scheme 2023. Collection method: clinical testing. Allele origin: germline.
Comment: The p.R221K variant (also known as c.662G>A), located in coding exon 7 of the RAD51D gene, results from a G to A substitution at nucleotide position 662. The arginine at codon 221 is replaced by lysine, an amino acid with highly similar properties. This amino acid position is conserved. In addition, the in silico prediction for this alteration is inconclusive. Based on the available evidence, the clinical significance of this variant remains unclear.

NM_002878.4(RAD51D):c.662G>A (p.Arg221Lys)

Genes: RAD51D (RAD51 paralog D; minus strand), RAD51L3-RFFL (RAD51L3-RFFL readthrough; minus strand). Cytogenetic location: 17q12.
Variant type: single nucleotide variant.
Coding change: c.662G>A on transcript NM_002878.4 (MANE Select); coding-DNA position 662, G replaced by A.
Protein change: p.Arg221Lys; replaces arginine 221 with lysine.
Molecular consequence: missense variant. On other transcripts: non-coding transcript variant (3).
Genome position (GRCh38, 1-based): chr17:35,103,459, C>T on the plus strand (G>A on the coding strand, the complement: RAD51D is on the minus strand). VCF-style: chr17-35103459-C-T. GRCh37 (hg19) VCF-style: chr17-33430478-C-T.
Other names: c.722G>A, p.Arg241Lys (NM_001142571.2); c.326G>A, p.Arg109Lys (NM_133629.3); short protein forms R109K, R221K, R241K.
Identifiers: ClinVar variation 4862945 (VCV004862945.1).
Genomic context (GRCh38, chr17:35,103,459, plus strand): 5'-GAGCTGGGAGGCGAGGTCACATTCCACTGGCCCCAGGCTCTGCCACATCACTCACCTTCC[C>T]TCTGCTGACCTCCCAGAAGTGGGGAAACCACCGCAGTGACCGAGTCCACAACCACCACCT-3'
Protein context (NP_002869.3, residues 211-231): VVSPLLGGQQ[Arg221Lys]EGLALMMQLA